The following is an entry in ClinVar:

ClinVar aggregate classification (germline): Uncertain significance (1 of 4 stars; one submission).

Conditions:
Inborn genetic diseases. Identifiers: MedGen C0950123, MeSH D030342.

Submission:

Ambry Genetics
Classification: Uncertain significance for Inborn genetic diseases. Last evaluated: 2026-06-14. Review status: criteria provided, single submitter. Criteria: Ambry Variant Classification Scheme 2023. Collection method: clinical testing. Allele origin: germline.
Comment: The p.S1216F variant (also known as c.3647C>T), located in coding exon 17 of the MECOM gene, results from a C to T substitution at nucleotide position 3647. The serine at codon 1216 is replaced by phenylalanine, an amino acid with highly dissimilar properties. This amino acid position is conserved. In addition, this alteration is predicted to be tolerated by in silico analysis. Based on the available evidence, the clinical significance of this variant remains unclear.

NM_004991.4(MECOM):c.3647C>T (p.Ser1216Phe)

Gene: MECOM (MDS1 and EVI1 complex locus; minus strand). Cytogenetic location: 3q26.2.
Variant type: single nucleotide variant.
Coding change: c.3647C>T on transcript NM_004991.4 (MANE Select); coding-DNA position 3647, C replaced by T.
Protein change: p.Ser1216Phe; replaces serine 1216 with phenylalanine.
Molecular consequence: missense variant.
Genome position (GRCh38, 1-based): chr3:169,084,982, G>A on the plus strand (C>T on the coding strand, the complement: MECOM is on the minus strand). VCF-style: chr3-169084982-G-A. GRCh37 (hg19) VCF-style: chr3-168802770-G-A.
Other names: c.3278C>T, p.Ser1093Phe (NM_001105077.4); c.3083C>T, p.Ser1028Phe (NM_001105078.4, NM_001205194.2, NM_001366469.2 and 1 more transcripts); c.3059C>T, p.Ser1020Phe (NM_001163999.2, NM_001366470.2); c.3056C>T, p.Ser1019Phe (NM_001164000.2, NM_001366471.2, NM_001366472.2); c.3620C>T, p.Ser1207Phe (NM_001366466.2); c.3086C>T, p.Ser1029Phe (NM_001366467.2, NM_001366468.2); c.2648C>T, p.Ser883Phe (NM_001366473.2); c.2084C>T, p.Ser695Phe (NM_001366474.2); short protein forms S1019F, S1020F, S1028F, S1029F, S1093F, S1207F, S1216F, S695F.
Identifiers: ClinVar variation 4859821 (VCV004859821.1).